The following is an entry in ClinVar:

ClinVar aggregate classification (germline): Uncertain significance. Review status: criteria provided, multiple submitters, no conflicts (2 of 4 stars). 2 submissions from 2 submitters: Uncertain significance (2). Last evaluated 2025-04-01.

Conditions:
Inborn genetic diseases. Identifiers: MedGen C0950123, MeSH D030342.
2-aminoadipic 2-oxoadipic aciduria (AAKAD). Also called: Aminoadipic aciduria; ALPHA-AMINOADIPIC AND ALPHA-KETOADIPIC ACIDURIA. Identifiers: Orphanet 79154, MedGen C1859817, MONDO:0008774, OMIM 204750.

Allele frequency attached by ClinVar (database versions not stated): gnomAD 0.00001 and 0.00002; TOPMed 0.00003; ExAC 0.00009; gnomAD exomes 0.00010; ESP Exome Variant Server 0.00015; 1000 Genomes Project 30x 0.00016; 1000 Genomes Project 0.00020.

Submissions (2):

Ambry Genetics
Classification: Uncertain significance for Inborn genetic diseases. Last evaluated: 2025-04-01. Review status: criteria provided, single submitter. Criteria: Ambry Variant Classification Scheme 2023. Collection method: clinical testing. Allele origin: germline.

Labcorp Genetics (formerly Invitae), Labcorp
Classification: Uncertain significance for 2-aminoadipic 2-oxoadipic aciduria. Last evaluated: 2022-10-27. Review status: criteria provided, single submitter. Criteria: Invitae Variant Classification Sherloc (09022015). Collection method: clinical testing. Allele origin: germline.
Comment: This variant has not been reported in the literature in individuals affected with DHTKD1-related conditions. This sequence change replaces glycine, which is neutral and non-polar, with serine, which is neutral and polar, at codon 311 of the DHTKD1 protein (p.Gly311Ser). This variant is present in population databases (rs372367790, gnomAD 0.06%). ClinVar contains an entry for this variant (Variation ID: 1486944). Advanced modeling of protein sequence and biophysical properties (such as structural, functional, and spatial information, amino acid conservation, physicochemical variation, residue mobility, and thermodynamic stability) performed at Invitae indicates that this missense variant is not expected to disrupt DHTKD1 protein function. In summary, the available evidence is currently insufficient to determine the role of this variant in disease. Therefore, it has been classified as a Variant of Uncertain Significance.

NM_018706.7(DHTKD1):c.931G>A (p.Gly311Ser)

Gene: DHTKD1 (dehydrogenase E1 and transketolase domain containing 1; plus strand). Cytogenetic location: 10p14.
Variant type: single nucleotide variant.
Coding change: c.931G>A on transcript NM_018706.7 (MANE Select); coding-DNA position 931, G replaced by A.
Protein change: p.Gly311Ser; replaces glycine 311 with serine.
Molecular consequence: missense variant.
Genome position (GRCh38, 1-based): chr10:12,089,199, G>A. VCF-style: chr10-12089199-G-A. GRCh37 (hg19) VCF-style: chr10-12131198-G-A.
Other names: c.931G>A (NM_018706.5); short protein forms G311S.
Identifiers: ClinVar variation 1486944 (VCV001486944.11), dbSNP rs372367790, ClinGen allele CA5407686.
Genomic context (GRCh38, chr10:12,089,199, plus strand): 5'-GAGGCCGTCAACCCCGTGGCCGTGGGCAAAACTCGCGGCAGGCAGCAGTCTCGCCAAGAC[G>A]GCGATTACTCTCCAGACAACTCAGCCCAGCCGGGGGACAGGGTCATTTGCTTACAGGTAC-3'
Protein context (NP_061176.4, residues 301-321): TRGRQQSRQD[Gly311Ser]DYSPDNSAQP